The following is an entry in ClinVar:

NM_001004697.2(OR2T5):c.38A>G (p.Lys13Arg)

Gene: OR2T5 (olfactory receptor family 2 subfamily T member 5). Cytogenetic location: 1q44.
Variant type: single nucleotide variant.
Coding change: c.38A>G on transcript NM_001004697.2 (MANE Select); coding-DNA position 38, A replaced by G.
Protein change: p.Lys13Arg; replaces lysine 13 with arginine.
Molecular consequence: missense variant.
Genome position (GRCh38, 1-based): chr1:248,488,626, A>G. VCF-style: chr1-248488626-A-G. GRCh37 (hg19) VCF-style: chr1-248651927-A-G.
Other names: short protein forms K13R.
Identifiers: ClinVar variation 403273 (VCV000403273.5), dbSNP rs1770043, ClinGen allele CA1505078.

ClinVar aggregate classification (germline): Benign. Review status: criteria provided, multiple submitters, no conflicts (2 of 4 stars). 2 submissions from 2 submitters: Benign (2). Last evaluated 2016-03-28.

Allele frequency attached by ClinVar (database versions not stated): gnomAD 0.67963; gnomAD exomes 0.86209; 1000 Genomes Project 0.91653.

Submissions (2):

Laboratory for Molecular Medicine, Mass General Brigham Personalized Medicine
Classification: Benign. Last evaluated: 2016-03-28. Review status: criteria provided, single submitter. Criteria: LMM Criteria. Collection method: clinical testing. Allele origin: germline.
Comment: Variant identified in a genome or exome case(s) and assessed due to predicted null impact of the variant or pathogenic assertions in the literature or databases. Disclaimer: This variant has not undergone full assessment. The following are preliminary notes: Frequency

Breakthrough Genomics
Classification: Benign. Review status: criteria provided, single submitter. Criteria: ACMG Guidelines, 2015. Collection method: not provided. Allele origin: germline. Inheritance: Unknown mechanism. Affected: yes.